The following is an entry in ClinVar:

ClinVar aggregate classification (germline): Benign (1 of 4 stars; one submission).

Conditions:
Tay-Sachs disease, variant AB. Also called: GM2 Activator Deficiency; Gm2-gangliosidosis, ab variant. Identifiers: Orphanet 309246, MedGen C0268275, MONDO:0010099, OMIM 272750.

Allele frequency attached by ClinVar (database versions not stated): gnomAD 0.00252 and 0.00563; gnomAD exomes 0.00291; TOPMed 0.00428; 1000 Genomes Project 30x 0.03310; 1000 Genomes Project 0.03395.
gnomAD v4.1: 2,604 of 713,658 alleles (0.36%); highest among the groups gnomAD compares: East Asian, 7.5%; 86 homozygotes.

Submission:

Illumina Laboratory Services, Illumina
Classification: Benign for Tay-Sachs disease, variant AB. Last evaluated: 2018-01-13. Review status: criteria provided, single submitter. Criteria: ICSL Variant Classification Criteria 13 December 2019. Collection method: clinical testing. Allele origin: germline.
Comment: This variant was observed in the ICSL laboratory as part of a predisposition screen in an ostensibly healthy population. It had not been previously curated by ICSL or reported in the Human Gene Mutation Database (HGMD: prior to June 1st, 2018), and was therefore a candidate for classification through an automated scoring system. Utilizing variant allele frequency, disease prevalence and penetrance estimates, and inheritance mode, an automated score was calculated to assess if this variant is too frequent to cause the disease. Based on the score and internal cut-off values, a variant classified as benign is not then subjected to further curation. The score for this variant resulted in a classification of benign for this disease.

NM_000405.5(GM2A):c.*2430T>C

Gene: GM2A (ganglioside GM2 activator; plus strand). Cytogenetic location: 5q33.1.
Variant type: single nucleotide variant.
Coding change: c.*2430T>C on transcript NM_000405.5 (MANE Select); 2430 bases downstream of the stop codon, T replaced by C.
Molecular consequence: 3 prime UTR variant.
Genome position (GRCh38, 1-based): chr5:151,269,881, T>C. VCF-style: chr5-151269881-T-C. GRCh37 (hg19) VCF-style: chr5-150649442-T-C.
Other names: c.*2241T>C (NM_001167607.3).
Identifiers: ClinVar variation 352292 (VCV000352292.5), dbSNP rs3734041, ClinGen allele CA10623639.
Genomic context (GRCh38, chr5:151,269,881, plus strand): 5'-CCCCATGGCAGTCTTCTGCAGCATTCTTCTAATACCTTTCCTTTTTCAAACCTATACTGT[T>C]GTTGGTGAATTCTTTTTACCAACCCACGAGTTGACCACTTCCCAATGCCGGGGATCTGAC-3'